The following is an entry in ClinVar:

ClinVar aggregate classification (germline): Uncertain significance (1 of 4 stars; one submission).

Conditions:
Immunodeficiency 23 (IMD23). Also called: IMMUNODEFICIENCY WITH HYPER IgE AND COGNITIVE IMPAIRMENT; IMMUNODEFICIENCY-VASCULITIS-MYOCLONUS SYNDROME. Identifiers: Orphanet 443811, MedGen C4014371, MONDO:0014353, OMIM 615816.

Allele frequency attached by ClinVar (database versions not stated): gnomAD exomes 0.00001; ExAC 0.00001.

Submission:

Labcorp Genetics (formerly Invitae), Labcorp
Classification: Uncertain significance for Immunodeficiency 23. Last evaluated: 2022-06-09. Review status: criteria provided, single submitter. Criteria: Invitae Variant Classification Sherloc (09022015). Collection method: clinical testing. Allele origin: germline.
Comment: This sequence change falls in intron 7 of the PGM3 gene. It does not directly change the encoded amino acid sequence of the PGM3 protein. It affects a nucleotide within the consensus splice site. This variant is present in population databases (rs779711753, gnomAD 0.01%). This variant has been observed in individual(s) with clinical features of PGM3-related conditions (PMID: 32506361). This variant is also known as c.787+5G>A. Variants that disrupt the consensus splice site are a relatively common cause of aberrant splicing (PMID: 17576681, 9536098). Algorithms developed to predict the effect of sequence changes on RNA splicing suggest that this variant may disrupt the consensus splice site. In summary, the available evidence is currently insufficient to determine the role of this variant in disease. Therefore, it has been classified as a Variant of Uncertain Significance.

Literature cited by the submitters: PubMed 32506361; PubMed 17576681; PubMed 9536098.

NM_015599.3(PGM3):c.787+5G>A

Gene: PGM3 (phosphoglucomutase 3; minus strand). Cytogenetic location: 6q14.1.
Variant type: single nucleotide variant.
Coding change: c.787+5G>A on transcript NM_015599.3 (MANE Select); 5 bases into the intron after coding-DNA position 787, G replaced by A.
Molecular consequence: intron variant.
Genome position (GRCh38, 1-based): chr6:83,181,731, C>T on the plus strand (G>A on the coding strand, the complement: PGM3 is on the minus strand). VCF-style: chr6-83181731-C-T. GRCh37 (hg19) VCF-style: chr6-83891450-C-T.
Other names: c.871+5G>A (NM_001199917.2, NM_001367287.1); c.544+5G>A (NM_001199918.2); c.787+5G>A (NM_001367286.1, NM_001199919.2).
Identifiers: ClinVar variation 1416051 (VCV001416051.3), dbSNP rs779711753, ClinGen allele CA3906681.